The following is an entry in ClinVar:

NC_000007.14:g.156789444C>T

Genes: LMBR1 (limb development membrane protein 1; minus strand), SHH (sonic hedgehog signaling molecule; minus strand). Cytogenetic location: 7q36.3.
Variant type: single nucleotide variant.
Molecular consequence: intron variant (on NM_022458.4).
Genome position: GRCh38 VCF-style: chr7-156789444-C-T. GRCh37 (hg19) VCF-style: chr7-156582138-C-T.
Other names: c.360+6945G>A (NM_001363412.2); c.144+6945G>A (NM_001350954.2); c.423+6945G>A (NM_001363410.2, NM_022458.4, NM_001363409.2 and 1 more transcripts); c.-112+6945G>A (NM_001350958.2, NM_001350956.2, NM_001350955.2 and 1 more transcripts); c.54+6945G>A (NM_001350957.2, NM_001363411.2).
Identifiers: ClinVar variation 2792730 (VCV002792730.3), dbSNP rs1348647460, ClinGen allele CA1109174651.

ClinVar aggregate classification (germline): Uncertain significance (1 of 4 stars; one submission).

Conditions:
Holoprosencephaly 3 (HPE3). Identifiers: Orphanet 2162, MedGen C1840529, MONDO:0007733, OMIM 142945.

Allele frequency attached by ClinVar (database versions not stated): gnomAD 0.00001.
gnomAD v4.1: 1 of 152,122 alleles (0.00066%); highest among the groups gnomAD compares: Non-Finnish European, 0.0015%; no homozygotes.

Submission:

Labcorp Genetics (formerly Invitae), Labcorp
Classification: Uncertain significance for Holoprosencephaly 3. Last evaluated: 2023-12-11. Review status: criteria provided, single submitter. Criteria: Invitae Variant Classification Sherloc (09022015). Collection method: clinical testing. Allele origin: germline.
Comment: This variant occurs in a non-coding region of the SHH gene. It does not change the encoded amino acid sequence of the SHH protein. This variant is not present in population databases (gnomAD no frequency). This variant has not been reported in the literature in individuals affected with SHH-related conditions. Experimental studies and prediction algorithms are not available or were not evaluated, and the effect of this variant on mRNA splicing is currently unknown. In summary, the available evidence is currently insufficient to determine the role of this variant in disease. Therefore, it has been classified as a Variant of Uncertain Significance.